The following is an entry in ClinVar:

ClinVar aggregate classification (germline): Benign/Likely benign. Review status: criteria provided, multiple submitters, no conflicts (2 of 4 stars). 9 submissions from 9 submitters: Benign (3); Likely benign (6). Last evaluated 2026-01-27.

Conditions:
Lymphangiomyomatosis (LAM). Also called: Lymphangioleiomyomatosis; Lymphangioleiomyomatosis, somatic. Identifiers: Orphanet 538, MedGen C0751674, MONDO:0011705, OMIM 606690.
Tuberous sclerosis 2 (TSC2). Identifiers: Orphanet 805, MedGen C1860707, MONDO:0013199, OMIM 613254.
Isolated focal cortical dysplasia type II (FCORD2). Also called: Focal cortical dysplasia type II; CORTICAL DYSPLASIA OF TAYLOR. Identifiers: Orphanet 268994, MedGen C1846385, MONDO:0011818, OMIM 607341, HP:0032051.
Hereditary cancer-predisposing syndrome. Also called: Tumor predisposition; Hereditary Cancer Syndrome; Hereditary neoplastic syndrome; Neoplastic Syndromes, Hereditary. Identifiers: Orphanet 140162, MedGen C0027672, MeSH D009386, MONDO:0015356.
Tuberous sclerosis syndrome (TSC). Also called: Tuberous Sclerosis Complex; Tuberous sclerosis. Identifiers: Orphanet 805, MedGen C0041341, MONDO:0001734.

Allele frequency attached by ClinVar (database versions not stated): TOPMed 0.00003; ESP Exome Variant Server 0.00008.

Submissions (9):

Labcorp Genetics (formerly Invitae), Labcorp
Classification: Benign for Tuberous sclerosis 2. Last evaluated: 2026-01-27. Review status: criteria provided, single submitter. Criteria: Invitae Variant Classification Sherloc (09022015). Collection method: clinical testing. Allele origin: germline.

Myriad Genetics, Inc.
Classification: Benign for Tuberous sclerosis 2. Last evaluated: 2025-05-22. Review status: criteria provided, single submitter. Criteria: Myriad Autosomal Dominant, Autosomal Recessive and X-Linked Classification Criteria (2023). Collection method: clinical testing. Allele origin: unknown.
Comment: This variant is considered benign. This variant is a silent/synonymous amino acid change and it is not expected to impact splicing.

Mayo Clinic Laboratories, Mayo Clinic
Classification: Likely benign. Last evaluated: 2025-02-24. Review status: criteria provided, single submitter. Criteria: ACMG Guidelines, 2015. Collection method: clinical testing. Allele origin: germline. Observed: 1 variant allele.

All of Us Research Program, National Institutes of Health
Classification: Likely benign for Tuberous sclerosis syndrome. Last evaluated: 2023-10-30. Review status: criteria provided, single submitter. Criteria: ACMG Guidelines, 2015. Collection method: clinical testing. Allele origin: germline. Inheritance: Autosomal dominant inheritance. Observed: 5 variant alleles, 5 heterozygotes.
Comment: This study involves interpretation of variants in research participants for the purpose of population health screening. Participant phenotype was not available at the time of variant classification. Additional details can be found in publication PMID: 35346344, PMCID: PMC8962531

Color Diagnostics, LLC DBA Color Health
Classification: Likely benign for Tuberous sclerosis syndrome. Last evaluated: 2022-09-27. Review status: criteria provided, single submitter. Criteria: ACMG Guidelines, 2015. Collection method: clinical testing. Allele origin: germline.

Genome-Nilou Lab
Classification: Benign for Tuberous sclerosis 2. Last evaluated: 2021-11-07. Review status: criteria provided, single submitter. Criteria: ACMG Guidelines, 2015. Collection method: clinical testing. Allele origin: germline. Affected: no.

Fulgent Genetics
Classification: Likely benign for Lymphangiomyomatosis; Isolated focal cortical dysplasia type II; Tuberous sclerosis 2. Last evaluated: 2021-09-27. Review status: criteria provided, single submitter. Criteria: ACMG Guidelines, 2015. Collection method: clinical testing. Allele origin: unknown.

GeneDx
Classification: Likely benign. Last evaluated: 2020-06-01. Review status: criteria provided, single submitter. Criteria: GeneDx Variant Classification Process June 2021. Collection method: clinical testing. Allele origin: germline. Affected: yes.

Ambry Genetics
Classification: Likely benign for Hereditary cancer-predisposing syndrome. Last evaluated: 2014-10-09. Review status: criteria provided, single submitter. Criteria: Ambry Variant Classification Scheme 2023. Collection method: clinical testing. Allele origin: germline.

NM_000548.5(TSC2):c.2760C>T (p.Val920=)

Gene: TSC2 (TSC complex subunit 2; plus strand). Cytogenetic location: 16p13.3.
Variant type: single nucleotide variant.
Coding change: c.2760C>T on transcript NM_000548.5 (MANE Select); coding-DNA position 2760, C replaced by T.
Protein change: p.Val920=; no amino-acid change (valine 920 retained).
Molecular consequence: synonymous variant.
Genome position (GRCh38, 1-based): chr16:2,076,508, C>T. VCF-style: chr16-2076508-C-T. GRCh37 (hg19) VCF-style: chr16-2126509-C-T.
Other names: p.Val920=; c.2760C>T, p.Val920= (NM_001077183.3, NM_001114382.3, NM_001363528.2 and 3 more transcripts); c.2649C>T, p.Val883= (NM_001318827.2); c.2613C>T, p.Val871= (NM_001318829.2); c.2160C>T, p.Val720= (NM_001318831.2); c.2793C>T, p.Val931= (NM_001318832.2).
Identifiers: ClinVar variation 184267 (VCV000184267.25), dbSNP rs149490538, ClinGen allele CA018103.
Genomic context (GRCh38, chr16:2,076,508, plus strand): 5'-CCCATTGCCACCCCTCACTGTCTGGGTGTGCTCACTCTGCCAGGGCCTGCGGTCCAATGT[C>T]CTCTTGTCTTTTGATGACACCCCCGAGAAGGACAGCTTCAGGGCCCGGAGTACTAGTCTC-3'
Protein context (NP_000539.2, residues 910-930): PFITKGLRSN[Val920=]LLSFDDTPEK